The following is an entry in ClinVar:

NM_201253.3(CRB1):c.2833G>A (p.Gly945Arg)

Gene: CRB1 (crumbs cell polarity complex component 1; plus strand). Cytogenetic location: 1q31.3.
Variant type: single nucleotide variant.
Coding change: c.2833G>A on transcript NM_201253.3 (MANE Select); coding-DNA position 2833, G replaced by A.
Protein change: p.Gly945Arg; replaces glycine 945 with arginine.
Molecular consequence: missense variant. On other transcripts: non-coding transcript variant (2), intron variant (1).
Genome position (GRCh38, 1-based): chr1:197,429,605, G>A. VCF-style: chr1-197429605-G-A. GRCh37 (hg19) VCF-style: chr1-197398735-G-A.
Other names: c.2497G>A, p.Gly833Arg (NM_001193640.2); c.2761G>A, p.Gly921Arg (NM_001257965.2); c.2129-5995G>A (NM_001257966.2); short protein forms G945R, G921R, G833R.
Identifiers: ClinVar variation 236475 (VCV000236475.5), dbSNP rs749746650, ClinGen allele CA10581629.
Genomic context (GRCh38, chr1:197,429,605, plus strand): 5'-GTTCAGTGGTGTGGATTCAGCCCGTGTCCTCACGGAGCCCAGTGCCAGCCGGTGCTTCAA[G>A]GATTTGAATGTAGGTAGAGTTCAAACCTACCATCTCACCAGTTAAGTTGCGACATTTGAG-3'
Protein context (NP_957705.1, residues 935-955): HGAQCQPVLQ[Gly945Arg]FECIANAVFN

ClinVar aggregate classification (germline): Conflicting classifications of pathogenicity. Review status: criteria provided, conflicting classifications (1 of 4 stars). 3 submissions from 3 submitters: Likely pathogenic (1); Uncertain significance (1). 1 of the submissions does not count toward it. Last evaluated 2022-01-11.

Conditions:
Retinal dystrophy. Also called: Inherited retinal dystrophy. Identifiers: Orphanet 71862, MedGen C0854723, MeSH D058499, MONDO:0019118, HP:0000556.
Retinitis pigmentosa 12 (RP12). Also called: RP WITH OR WITHOUT PPRPE; RP WITH OR WITHOUT PRESERVED PARAARTERIOLE RETINAL PIGMENT EPITHELIUM; RETINITIS PIGMENTOSA WITH OR WITHOUT PARAARTERIOLAR PRESERVATION OF RETINAL PIGMENT EPITHELIUM. Identifiers: Orphanet 791, MedGen C1838647, MONDO:0010818, OMIM 600105.
Leber congenital amaurosis 8 (LCA8). Identifiers: Orphanet 65, MedGen C3151202, MONDO:0013453, OMIM 613835.
CRB1-related disorder. Also called: CRB1-related condition; CRB1-related disorders.

Allele frequency attached by ClinVar (database versions not stated): gnomAD 0.00001; TOPMed 0.00001; gnomAD exomes 0.00002.
gnomAD v4.1: 26 of 1,613,766 alleles (0.0016%); highest among the groups gnomAD compares: Non-Finnish European, 0.0022%; no homozygotes.

Submissions (3):

Labcorp Genetics (formerly Invitae), Labcorp
Classification: Uncertain significance for Leber congenital amaurosis 8; Retinitis pigmentosa 12. Last evaluated: 2022-01-11. Review status: criteria provided, single submitter. Criteria: Invitae Variant Classification Sherloc (09022015). Collection method: clinical testing. Allele origin: germline.
Comment: This sequence change replaces glycine, which is neutral and non-polar, with arginine, which is basic and polar, at codon 945 of the CRB1 protein (p.Gly945Arg). This variant is not present in population databases (gnomAD no frequency). This missense change has been observed in individual(s) with inherited retinal disease (PMID: 27208204). ClinVar contains an entry for this variant (Variation ID: 236475). Advanced modeling of protein sequence and biophysical properties (such as structural, functional, and spatial information, amino acid conservation, physicochemical variation, residue mobility, and thermodynamic stability) performed at Invitae indicates that this missense variant is expected to disrupt CRB1 protein function. Algorithms developed to predict the effect of sequence changes on RNA splicing suggest that this variant may create or strengthen a splice site. In summary, the available evidence is currently insufficient to determine the role of this variant in disease. Therefore, it has been classified as a Variant of Uncertain Significance.

Blueprint Genetics
Classification: Likely pathogenic for CRB1-related disorders. Last evaluated: 2017-11-08. Review status: criteria provided, single submitter. Criteria: ACMG Guidelines, 2015. Collection method: clinical testing. Allele origin: germline. Affected: yes. Observed: 2 variant alleles.

Centre for Genomic Medicine, Manchester, Central Manchester University Hospitals
Classification: Uncertain significance for Retinal dystrophy. Review status: no assertion criteria provided. Collection method: clinical testing. Allele origin: germline. Affected: yes. Not counted in ClinVar's aggregate classification.

Literature cited by the submitters: PubMed 27208204 (cited by Labcorp Genetics (formerly Invitae), Labcorp).